The following is an entry in ClinVar:

NM_004667.6(HERC2):c.3651C>A (p.Asn1217Lys)

Gene: HERC2 (HECT and RLD domain containing E3 ubiquitin protein ligase 2; minus strand). Cytogenetic location: 15q13.1.
Variant type: single nucleotide variant.
Coding change: c.3651C>A on transcript NM_004667.6 (MANE Select); coding-DNA position 3651, C replaced by A.
Protein change: p.Asn1217Lys; replaces asparagine 1217 with lysine.
Molecular consequence: missense variant.
Genome position (GRCh38, 1-based): chr15:28,238,699, G>T on the plus strand (C>A on the coding strand, the complement: HERC2 is on the minus strand). VCF-style: chr15-28238699-G-T. GRCh37 (hg19) VCF-style: chr15-28483845-G-T.
Other names: short protein forms N1217K.
Identifiers: ClinVar variation 1320873 (VCV001320873.2), dbSNP rs2140707061, ClinGen allele CA391388726.
Genomic context (GRCh38, chr15:28,238,699, plus strand): 5'-GTCCTTTATATCATACACCTTCCCGTCAATCACAGTCCAGAAGCCTCCATCTTTATTATG[G>T]TTCTCCAAATCAGCTTTGCGTATAAGTGTCACTTCCTCATTATTTCTACAGTTCTGACCT-3'
Protein context (NP_004658.3, residues 1207-1227): VTLIRKADLE[Asn1217Lys]HNKDGGFWTV

ClinVar aggregate classification (germline): Uncertain significance (1 of 4 stars; one submission).

Submission:

GeneDx
Classification: Uncertain significance. Last evaluated: 2021-04-13. Review status: criteria provided, single submitter. Criteria: GeneDx Variant Classification Process June 2021. Collection method: clinical testing. Allele origin: germline. Affected: yes.
Comment: Not observed in large population cohorts (Lek et al., 2016); In silico analysis supports that this missense variant has a deleterious effect on protein structure/function; Has not been previously published as pathogenic or benign to our knowledge